The following is an entry in ClinVar:

ClinVar aggregate classification (germline): Uncertain significance. Review status: criteria provided, multiple submitters, no conflicts (2 of 4 stars). 2 submissions from 2 submitters: Uncertain significance (2). Last evaluated 2025-07-01.

Conditions:
SHORT syndrome. Also called: PIK3R1-Related SHORT Syndrome; SHORT STATURE, HYPEREXTENSIBILITY, HERNIA, OCULAR DEPRESSION, RIEGER ANOMALY, AND TEETHING DELAY; LIPODYSTROPHY, PARTIAL, WITH RIEGER ANOMALY AND SHORT STATURE. Identifiers: Orphanet 3163, MedGen C0878684, MONDO:0010026, OMIM 269880.
Agammaglobulinemia 7, autosomal recessive (AGM7). Also called: AGAMMAGLOBULINEMIA, AUTOSOMAL RECESSIVE, DUE TO PIK3R1 DEFECT. Identifiers: MedGen C3554689, MONDO:0014083, OMIM 615214.
Immunodeficiency 36 with lymphoproliferation. Also called: ACTIVATED PI3K-DELTA SYNDROME 2; Activated PI3K Delta Syndrome Type 2 (APDS2); Immunodeficiency 36. Identifiers: Orphanet 397596, Orphanet 693681, MedGen C4014934, MONDO:0014453, OMIM 616005.
Inborn genetic diseases. Identifiers: MedGen C0950123, MeSH D030342.

Allele frequency attached by ClinVar (database versions not stated): gnomAD 0.00002; TOPMed 0.00002; gnomAD exomes 0.00003.
gnomAD v4.1: 40 of 1,613,688 alleles (0.0025%); highest among the groups gnomAD compares: Non-Finnish European, 0.0031%; no homozygotes.

Submissions (2):

Ambry Genetics
Classification: Uncertain significance for Inborn genetic diseases. Last evaluated: 2025-07-01. Review status: criteria provided, single submitter. Criteria: Ambry Variant Classification Scheme 2023. Collection method: clinical testing. Allele origin: germline.

Labcorp Genetics (formerly Invitae), Labcorp
Classification: Uncertain significance for SHORT syndrome; Immunodeficiency 36 with lymphoproliferation; Agammaglobulinemia 7, autosomal recessive. Last evaluated: 2024-10-07. Review status: criteria provided, single submitter. Criteria: Invitae Variant Classification Sherloc (09022015). Collection method: clinical testing. Allele origin: germline.
Comment: This sequence change replaces asparagine, which is neutral and polar, with serine, which is neutral and polar, at codon 319 of the PIK3R1 protein (p.Asn319Ser). This variant is present in population databases (rs781439997, gnomAD 0.004%). This variant has not been reported in the literature in individuals affected with PIK3R1-related conditions. ClinVar contains an entry for this variant (Variation ID: 1941349). An algorithm developed to predict the effect of missense changes on protein structure and function (PolyPhen-2) suggests that this variant is likely to be tolerated. In summary, the available evidence is currently insufficient to determine the role of this variant in disease. Therefore, it has been classified as a Variant of Uncertain Significance.

NM_181523.3(PIK3R1):c.956A>G (p.Asn319Ser)

Gene: PIK3R1 (phosphoinositide-3-kinase regulatory subunit 1; plus strand). Cytogenetic location: 5q13.1.
Variant type: single nucleotide variant.
Coding change: c.956A>G on transcript NM_181523.3 (MANE Select); coding-DNA position 956, A replaced by G.
Protein change: p.Asn319Ser; replaces asparagine 319 with serine.
Molecular consequence: missense variant.
Genome position (GRCh38, 1-based): chr5:68,292,298, A>G. VCF-style: chr5-68292298-A-G. GRCh37 (hg19) VCF-style: chr5-67588126-A-G.
Other names: c.146A>G, p.Asn49Ser (NM_181504.4); c.56A>G, p.Asn19Ser (NM_181524.2); c.956A>G (NM_181523.2); short protein forms N49S, N319S, N19S.
Identifiers: ClinVar variation 1941349 (VCV001941349.6), dbSNP rs781439997, ClinGen allele CA119904460.